The following is an entry in ClinVar:

NM_006922.4(SCN3A):c.4966T>C (p.Phe1656Leu)

Gene: SCN3A (sodium voltage-gated channel alpha subunit 3; minus strand). Cytogenetic location: 2q24.3.
Variant type: single nucleotide variant.
Coding change: c.4966T>C on transcript NM_006922.4 (MANE Select); coding-DNA position 4966, T replaced by C.
Protein change: p.Phe1656Leu; replaces phenylalanine 1656 with leucine.
Molecular consequence: missense variant.
Genome position (GRCh38, 1-based): chr2:165,091,187, A>G on the plus strand (T>C on the coding strand, the complement: SCN3A is on the minus strand). VCF-style: chr2-165091187-A-G. GRCh37 (hg19) VCF-style: chr2-165947697-A-G.
Other names: c.4819T>C, p.Phe1607Leu (NM_001081676.2, NM_001081677.2); short protein forms F1607L, F1656L.
Identifiers: ClinVar variation 3906090 (VCV003906090.10).

ClinVar aggregate classification (germline): Uncertain significance (1 of 4 stars; one submission).

gnomAD v4.1: 3 of 1,614,142 alleles (0.00019%); highest among the groups gnomAD compares: Non-Finnish European, 0.00025%; no homozygotes.

Submission:

CeGaT Center for Human Genetics Tuebingen
Classification: Uncertain significance. Last evaluated: 2025-06-01. Review status: criteria provided, single submitter. Criteria: CeGaT Center For Human Genetics Tuebingen Variant Classification Criteria Version 2. Collection method: clinical testing. Allele origin: germline. Affected: yes. Observed: 1 variant allele.
Comment: SCN3A: PM2:Supporting, PP3